The following is an entry in ClinVar:

NM_000441.2(SLC26A4):c.65T>C (p.Val22Ala)

Genes: SLC26A4 (solute carrier family 26 member 4; plus strand), SLC26A4-AS1 (SLC26A4 antisense RNA 1; minus strand). Cytogenetic location: 7q22.3.
Variant type: single nucleotide variant.
Coding change: c.65T>C on transcript NM_000441.2 (MANE Select); coding-DNA position 65, T replaced by C.
Protein change: p.Val22Ala; replaces valine 22 with alanine.
Molecular consequence: missense variant. On other transcripts: non-coding transcript variant (1).
Genome position (GRCh38, 1-based): chr7:107,661,706, T>C. VCF-style: chr7-107661706-T-C. GRCh37 (hg19) VCF-style: chr7-107302151-T-C.
Other names: short protein forms V22A.
Identifiers: ClinVar variation 1306037 (VCV001306037.4), dbSNP rs1790557992, ClinGen allele CA368844929.

ClinVar aggregate classification (germline): Uncertain significance. Review status: criteria provided, multiple submitters, no conflicts (2 of 4 stars). 2 submissions from 2 submitters: Uncertain significance (2). Last evaluated 2022-03-10.

Allele frequency attached by ClinVar (database versions not stated): gnomAD exomes below 0.00001; TOPMed below 0.00001; gnomAD 0.00001.
gnomAD v4.1: 2 of 1,569,570 alleles (0.00013%); highest among the groups gnomAD compares: African/African-American, 0.0013%; no homozygotes.

Submissions (2):

GeneDx
Classification: Uncertain significance. Last evaluated: 2022-03-10. Review status: criteria provided, single submitter. Criteria: GeneDx Variant Classification Process June 2021. Collection method: clinical testing. Allele origin: germline. Affected: yes.
Comment: Not observed in large population cohorts (gnomAD); In silico analysis supports that this missense variant has a deleterious effect on protein structure/function; Has not been previously published as pathogenic or benign to our knowledge

Blueprint Genetics
Classification: Uncertain significance. Last evaluated: 2021-10-01. Review status: criteria provided, single submitter. Criteria: ACMG Guidelines, 2015. Collection method: clinical testing. Allele origin: germline.